The following is an entry in ClinVar:

ClinVar aggregate classification (germline): Uncertain significance (1 of 4 stars; one submission).

Allele frequency attached by ClinVar (database versions not stated): gnomAD exomes 0.00005 and 0.00006; gnomAD 0.00006.
gnomAD v4.1: 76 of 1,240,156 alleles (0.0061%); highest among the groups gnomAD compares: Non-Finnish European, 0.0073%; no homozygotes.

Submission:

Labcorp Genetics (formerly Invitae), Labcorp
Classification: Uncertain significance. Last evaluated: 2021-11-02. Review status: criteria provided, single submitter. Criteria: Invitae Variant Classification Sherloc (09022015). Collection method: clinical testing. Allele origin: germline.
Comment: This sequence change replaces lysine, which is basic and polar, with asparagine, which is neutral and polar, at codon 166 of the ADCY5 protein (p.Lys166Asn). This variant is present in population databases (no rsID available, gnomAD 0.01%). This variant has not been reported in the literature in individuals affected with ADCY5-related conditions. Advanced modeling of protein sequence and biophysical properties (such as structural, functional, and spatial information, amino acid conservation, physicochemical variation, residue mobility, and thermodynamic stability) performed at Invitae indicates that this missense variant is not expected to disrupt ADCY5 protein function. In summary, the available evidence is currently insufficient to determine the role of this variant in disease. Therefore, it has been classified as a Variant of Uncertain Significance.

NM_183357.3(ADCY5):c.498G>C (p.Lys166Asn)

Gene: ADCY5 (adenylate cyclase 5; minus strand). Cytogenetic location: 3q21.1.
Variant type: single nucleotide variant.
Coding change: c.498G>C on transcript NM_183357.3 (MANE Select); coding-DNA position 498, G replaced by C.
Protein change: p.Lys166Asn; replaces lysine 166 with asparagine.
Molecular consequence: missense variant.
Genome position (GRCh38, 1-based): chr3:123,448,048, C>G on the plus strand (G>C on the coding strand, the complement: ADCY5 is on the minus strand). VCF-style: chr3-123448048-C-G. GRCh37 (hg19) VCF-style: chr3-123166895-C-G.
Other names: c.498G>C, p.Lys166Asn (NM_001378259.1); short protein forms K166N.
Identifiers: ClinVar variation 1496566 (VCV001496566.3), dbSNP rs1217095319, ClinGen allele CA354357621.
Genomic context (GRCh38, chr3:123,448,048, plus strand): 5'-ATCCCCGGACCCCTCGCCGCCCTCGACGGCGCCGGCCTCCAGCTCGTCGGCCGCGCGCCC[C>G]TTGCCCCGCCGCTCCTCCAGACCCACCTCCACCGAGCGAGGGCGCACCTCCGTCCCGCCC-3'
Protein context (NP_899200.1, residues 156-176): VEVGLEERRG[Lys166Asn]GRAADELEAG